The following is an entry in ClinVar:

ClinVar aggregate classification (germline): Uncertain significance (1 of 4 stars; one submission).

Allele frequency attached by ClinVar (database versions not stated): gnomAD exomes 0.00001; TOPMed 0.00001.
gnomAD v4.1: 2 of 1,229,510 alleles (0.00016%); highest among the groups gnomAD compares: Admixed American, 0.0042%; no homozygotes.

Submission:

Labcorp Genetics (formerly Invitae), Labcorp
Classification: Uncertain significance. Last evaluated: 2023-04-26. Review status: criteria provided, single submitter. Criteria: Invitae Variant Classification Sherloc (09022015). Collection method: clinical testing. Allele origin: germline.
Comment: In summary, the available evidence is currently insufficient to determine the role of this variant in disease. Therefore, it has been classified as a Variant of Uncertain Significance. An algorithm developed to predict the effect of missense changes on protein structure and function (PolyPhen-2) suggests that this variant is likely to be tolerated. This variant has not been reported in the literature in individuals affected with MATN3-related conditions. This variant is not present in population databases (gnomAD no frequency). This sequence change replaces threonine, which is neutral and polar, with isoleucine, which is neutral and non-polar, at codon 65 of the MATN3 protein (p.Thr65Ile).

NM_002381.5(MATN3):c.194C>T (p.Thr65Ile)

Gene: MATN3 (matrilin 3; minus strand). Cytogenetic location: 2p24.1.
Variant type: single nucleotide variant.
Coding change: c.194C>T on transcript NM_002381.5 (MANE Select); coding-DNA position 194, C replaced by T.
Protein change: p.Thr65Ile; replaces threonine 65 with isoleucine.
Molecular consequence: missense variant.
Genome position (GRCh38, 1-based): chr2:20,012,438, G>A on the plus strand (C>T on the coding strand, the complement: MATN3 is on the minus strand). VCF-style: chr2-20012438-G-A. GRCh37 (hg19) VCF-style: chr2-20212199-G-A.
Other names: short protein forms T65I.
Identifiers: ClinVar variation 2971627 (VCV002971627.3), dbSNP rs1673236134, ClinGen allele CA345951610.